The following is an entry in ClinVar:

ClinVar aggregate classification (germline): Likely benign (1 of 4 stars; one submission).

gnomAD v4.1: 3 of 1,613,140 alleles (0.00019%); highest among the groups gnomAD compares: South Asian, 0.0033%; no homozygotes.

Submission:

CeGaT Center for Human Genetics Tuebingen
Classification: Likely benign. Last evaluated: 2026-02-01. Review status: criteria provided, single submitter. Criteria: CeGaT Center For Human Genetics Tuebingen Variant Classification Criteria Version 2. Collection method: clinical testing. Allele origin: germline. Affected: yes. Observed: 1 variant allele.
Comment: SLC46A1: BP4, BP7

NM_080669.6(SLC46A1):c.576G>A (p.Gly192=)

Gene: SLC46A1 (solute carrier family 46 member 1; minus strand). Cytogenetic location: 17q11.2.
Variant type: single nucleotide variant.
Coding change: c.576G>A on transcript NM_080669.6 (MANE Select); coding-DNA position 576, G replaced by A.
Protein change: p.Gly192=; no amino-acid change (glycine 192 retained).
Molecular consequence: synonymous variant.
Genome position (GRCh38, 1-based): chr17:28,405,121, C>T on the plus strand (G>A on the coding strand, the complement: SLC46A1 is on the minus strand). VCF-style: chr17-28405121-C-T. GRCh37 (hg19) VCF-style: chr17-26732139-C-T.
Other names: c.576G>A, p.Gly192= (NM_001242366.3).
Identifiers: ClinVar variation 4823329 (VCV004823329.4).